The following is an entry in ClinVar:

NM_138773.4(SLC25A46):c.359G>A (p.Cys120Tyr)

Gene: SLC25A46 (solute carrier family 25 member 46; plus strand). Cytogenetic location: 5q22.1.
Variant type: single nucleotide variant.
Coding change: c.359G>A on transcript NM_138773.4 (MANE Select); coding-DNA position 359, G replaced by A.
Protein change: p.Cys120Tyr; replaces cysteine 120 with tyrosine.
Molecular consequence: missense variant. On other transcripts: non-coding transcript variant (1).
Genome position (GRCh38, 1-based): chr5:110,743,762, G>A. VCF-style: chr5-110743762-G-A. GRCh37 (hg19) VCF-style: chr5-110079463-G-A.
Other names: p.Cys120Tyr; c.359G>A, p.Cys120Tyr (NM_001303249.3); c.86G>A, p.Cys29Tyr (NM_001303250.3); short protein forms C29Y, C120Y.
Identifiers: ClinVar variation 4541056 (VCV004541056.1).

ClinVar aggregate classification (germline): Uncertain significance (1 of 4 stars; one submission).

gnomAD v4.1: 2 of 1,605,864 alleles (0.00012%); highest among the groups gnomAD compares: East Asian, 0.0022%; no homozygotes.

Submission:

Mayo Clinic Laboratories, Mayo Clinic
Classification: Uncertain significance. Last evaluated: 2025-07-09. Review status: criteria provided, single submitter. Criteria: ACMG Guidelines, 2015. Collection method: clinical testing. Allele origin: germline. Observed: 1 variant allele.
Comment: PM2_supporting